The following is an entry in ClinVar:

ClinVar aggregate classification (germline): Likely pathogenic (1 of 4 stars; one submission).

Conditions:
Cerebellar atrophy, developmental delay, and seizures. Identifiers: MedGen C4539985, MONDO:0060551, OMIM 617643.

Allele frequency attached by ClinVar (database versions not stated): gnomAD exomes below 0.00001.

Submission:

Molecular Genetics, Royal Melbourne Hospital
Classification: Likely pathogenic for Cerebellar atrophy, developmental delay, and seizures. Last evaluated: 2022-02-04. Review status: criteria provided, single submitter. Criteria: ACMG Guidelines, 2015. Collection method: clinical testing. Allele origin: germline.
Comment: This sequence change in KCNMA1 is a frameshift variant predicted to cause a premature stop codon, p.(Ser725Glnfs*61), in biologically-relevant-exon 20/28 leading to nonsense mediated decay in a gene in which loss-of-function is an established disease mechanism (PMID: 34224328). This variant is present in a single European (nono-Finnish) individual in gnomAD v2.1 (1/61,344 alleles). To our knowledge, this variant has not been reported in the literature in any individuals with KCNMA1-related disease. Based on the classification scheme RMH Modified ACMG Guidelines v1.4.0, this variant is classified as LIKELY PATHOGENIC. Following criteria are met: PVS1, PM2_Supporting.

Literature cited by the submitters: PubMed 34224328.

NM_001161352.2(KCNMA1):c.2173del (p.Ser725fs)

Gene: KCNMA1 (potassium calcium-activated channel subfamily M alpha 1; minus strand). Cytogenetic location: 10q22.3.
Variant type: Deletion.
Coding change: c.2173del on transcript NM_001161352.2 (MANE Select); coding-DNA position 2173, one base deleted (T; older notation c.2173delT).
Protein change: p.Ser725fs; shifts the reading frame from serine 725.
Molecular consequence: frameshift variant. On other transcripts: intron variant (13).
Genome position (GRCh38, 1-based): chr10:77,001,500, A deleted on the plus strand (T on the coding strand, the reverse complement: KCNMA1 is on the minus strand). VCF-style (leftmost placement, unchanged base first): chr10-77001499-GA-G. GRCh37 (hg19) VCF-style: chr10-78761257-GA-G.
Other names: c.1942+10467del (NM_001271518.2); c.2092+10467del (NM_001322832.2, NM_001410940.1, NM_002247.4 and 1 more transcripts); c.2101+6685del (NM_001322829.2, NM_001322836.2, NM_001271519.2); c.2104+10467del (NM_001014797.3, NM_001322835.2, NM_001322837.2); c.2113+6685del (NM_001322830.2); c.1552+10467del (NM_001322838.2); c.2173delT (NM_001161352.2); short protein forms S725fs.
Identifiers: ClinVar variation 3068628 (VCV003068628.1), dbSNP rs1348741432, ClinGen allele CA594611972.